The following is an entry in ClinVar:

ClinVar aggregate classification (germline): Uncertain significance. Review status: criteria provided, multiple submitters, no conflicts (2 of 4 stars). 3 submissions from 3 submitters: Uncertain significance (3). Last evaluated 2025-08-26.

Conditions:
Inborn genetic diseases. Identifiers: MedGen C0950123, MeSH D030342.
Compton-North congenital myopathy (CMYO12). Identifiers: Orphanet 210163, MedGen C2675527, MONDO:0012929, OMIM 612540.

Allele frequency attached by ClinVar (database versions not stated): gnomAD exomes 0.00001 and 0.00002; ExAC 0.00002; gnomAD 0.00010 and 0.00012; TOPMed 0.00017; ESP Exome Variant Server 0.00023.
gnomAD v4.1: 31 of 1,613,498 alleles (0.0019%); highest among the groups gnomAD compares: African/African-American, 0.035%; no homozygotes.

Submissions (3):

Ambry Genetics
Classification: Uncertain significance for Inborn genetic diseases. Last evaluated: 2025-08-26. Review status: criteria provided, single submitter. Criteria: Ambry Variant Classification Scheme 2023. Collection method: clinical testing. Allele origin: germline.

Labcorp Genetics (formerly Invitae), Labcorp
Classification: Uncertain significance for Compton-North congenital myopathy. Last evaluated: 2023-11-13. Review status: criteria provided, single submitter. Criteria: Invitae Variant Classification Sherloc (09022015). Collection method: clinical testing. Allele origin: germline.
Comment: This sequence change replaces alanine, which is neutral and non-polar, with threonine, which is neutral and polar, at codon 995 of the CNTN1 protein (p.Ala995Thr). This variant is present in population databases (rs143416044, gnomAD 0.02%). This variant has not been reported in the literature in individuals affected with CNTN1-related conditions. ClinVar contains an entry for this variant (Variation ID: 949788). Algorithms developed to predict the effect of missense changes on protein structure and function output the following: SIFT: "Not Available"; PolyPhen-2: "Benign"; Align-GVGD: "Not Available". The threonine amino acid residue is found in multiple mammalian species, which suggests that this missense change does not adversely affect protein function. In summary, the available evidence is currently insufficient to determine the role of this variant in disease. Therefore, it has been classified as a Variant of Uncertain Significance.

GeneDx
Classification: Uncertain significance. Last evaluated: 2020-08-24. Review status: criteria provided, single submitter. Criteria: GeneDx Variant Classification Process June 2021. Collection method: clinical testing. Allele origin: germline. Affected: yes.
Comment: In silico analysis supports that this missense variant does not alter protein structure/function; Has not been previously published as pathogenic or benign to our knowledge

NM_001843.4(CNTN1):c.2983G>A (p.Ala995Thr)

Gene: CNTN1 (contactin 1; plus strand). Cytogenetic location: 12q12.
Variant type: single nucleotide variant.
Coding change: c.2983G>A on transcript NM_001843.4 (MANE Select); coding-DNA position 2983, G replaced by A.
Protein change: p.Ala995Thr; replaces alanine 995 with threonine.
Molecular consequence: missense variant.
Genome position (GRCh38, 1-based): chr12:41,069,961, G>A. VCF-style: chr12-41069961-G-A. GRCh37 (hg19) VCF-style: chr12-41463763-G-A.
Other names: c.2950G>A, p.Ala984Thr (NM_175038.2); c.2983G>A (NM_001843.2); short protein forms A995T, A984T.
Identifiers: ClinVar variation 949788 (VCV000949788.10), dbSNP rs143416044, ClinGen allele CA6517285.